The following is an entry in ClinVar:

NM_203446.3(SYNJ1):c.3865C>T (p.Arg1289Ter)

Gene: SYNJ1 (synaptojanin 1; minus strand). Cytogenetic location: 21q22.11.
Variant type: single nucleotide variant.
Coding change: c.3865C>T on transcript NM_203446.3 (MANE Select); coding-DNA position 3865, C replaced by T.
Protein change: p.Arg1289Ter; replaces arginine 1289 with a stop codon.
Molecular consequence: nonsense.
Genome position (GRCh38, 1-based): chr21:32,638,958, G>A on the plus strand (C>T on the coding strand, the complement: SYNJ1 is on the minus strand). VCF-style: chr21-32638958-G-A. GRCh37 (hg19) VCF-style: chr21-34011268-G-A.
Other names: c.3817C>T, p.Arg1273Ter (NM_001160302.2); c.3724C>T, p.Arg1242Ter (NM_001160306.2); c.3982C>T, p.Arg1328Ter (NM_003895.4); short protein forms R1242*, R1273*, R1289*, R1328*.
Identifiers: ClinVar variation 1076901 (VCV001076901.7), dbSNP rs747261340, ClinGen allele CA10003234.
Genomic context (GRCh38, chr21:32,638,958, plus strand): 5'-TGAGACTTACTTGCGGTTGTGAGGAAGCTTCTGAAGGCAAGCTATGGGATGACCTGCTTC[G>A]AGGTGGTGGTTGTGGTGGGGTTTCCAAATTTGGCTGGGGGCCAGACTGAGGCATAGGTGC-3'

ClinVar aggregate classification (germline): Pathogenic (1 of 4 stars; one submission).

Conditions:
Developmental and epileptic encephalopathy, 53. Also called: Epileptic encephalopathy, early infantile, 53. Identifiers: MedGen C4479313, MONDO:0033362, OMIM 617389.
Early-onset Parkinson disease 20. Also called: PARKINSON DISEASE 20, AUTOSOMAL RECESSIVE EARLY-ONSET. Identifiers: Orphanet 391411, MedGen C3809824, MONDO:0014233, OMIM 615530.

Allele frequency attached by ClinVar (database versions not stated): gnomAD 0.00004 and 0.00003; TOPMed 0.00004; gnomAD exomes below 0.00001 and 0.00001; ExAC 0.00002.
gnomAD v4.1: 11 of 1,613,954 alleles (0.00068%); highest among the groups gnomAD compares: African/African-American, 0.0093%; no homozygotes.

Submission:

Labcorp Genetics (formerly Invitae), Labcorp
Classification: Pathogenic for Developmental and epileptic encephalopathy, 53; Early-onset Parkinson disease 20. Last evaluated: 2024-01-15. Review status: criteria provided, single submitter. Criteria: Invitae Variant Classification Sherloc (09022015). Collection method: clinical testing. Allele origin: germline.
Comment: This sequence change creates a premature translational stop signal (p.Arg1328*) in the SYNJ1 gene. It is expected to result in an absent or disrupted protein product. Loss-of-function variants in SYNJ1 are known to be pathogenic (PMID: 25316601, 27435091). This variant is present in population databases (rs747261340, gnomAD 0.01%). This variant has not been reported in the literature in individuals affected with SYNJ1-related conditions. ClinVar contains an entry for this variant (Variation ID: 1076901). For these reasons, this variant has been classified as Pathogenic.

Literature cited by the submitters: PubMed 25316601; PubMed 27435091.